The following is an entry in ClinVar:

NM_030665.4(RAI1):c.992C>G (p.Pro331Arg)

Gene: RAI1 (retinoic acid induced 1; plus strand). Cytogenetic location: 17p11.2.
Variant type: single nucleotide variant.
Coding change: c.992C>G on transcript NM_030665.4 (MANE Select); coding-DNA position 992, C replaced by G.
Protein change: p.Pro331Arg; replaces proline 331 with arginine.
Molecular consequence: missense variant.
Genome position (GRCh38, 1-based): chr17:17,793,940, C>G. VCF-style: chr17-17793940-C-G. GRCh37 (hg19) VCF-style: chr17-17697254-C-G.
Other names: short protein forms P331R.
Identifiers: ClinVar variation 3652644 (VCV003652644.2).

ClinVar aggregate classification (germline): Uncertain significance (1 of 4 stars; one submission).

Submission:

Labcorp Genetics (formerly Invitae), Labcorp
Classification: Uncertain significance. Last evaluated: 2024-05-08. Review status: criteria provided, single submitter. Criteria: Invitae Variant Classification Sherloc (09022015). Collection method: clinical testing. Allele origin: germline.
Comment: This sequence change replaces proline, which is neutral and non-polar, with arginine, which is basic and polar, at codon 331 of the RAI1 protein (p.Pro331Arg). This variant is not present in population databases (gnomAD no frequency). This variant has not been reported in the literature in individuals affected with RAI1-related conditions. Advanced modeling of protein sequence and biophysical properties (such as structural, functional, and spatial information, amino acid conservation, physicochemical variation, residue mobility, and thermodynamic stability) performed at Invitae indicates that this missense variant is expected to disrupt RAI1 protein function with a positive predictive value of 80%. In summary, the available evidence is currently insufficient to determine the role of this variant in disease. Therefore, it has been classified as a Variant of Uncertain Significance.